The following is an entry in ClinVar:

NM_004655.4(AXIN2):c.895G>A (p.Asp299Asn)

Gene: AXIN2 (axin 2; minus strand). Cytogenetic location: 17q24.1.
Variant type: single nucleotide variant.
Coding change: c.895G>A on transcript NM_004655.4 (MANE Select); coding-DNA position 895, G replaced by A.
Protein change: p.Asp299Asn; replaces aspartic acid 299 with asparagine.
Molecular consequence: missense variant.
Genome position (GRCh38, 1-based): chr17:65,549,581, C>T on the plus strand (G>A on the coding strand, the complement: AXIN2 is on the minus strand). VCF-style: chr17-65549581-C-T. GRCh37 (hg19) VCF-style: chr17-63545699-C-T.
Other names: p.Asp299Asn; c.895G>A, p.Asp299Asn (NM_001363813.1); c.895G>A (LRG_296t1); short protein forms D299N.
Identifiers: ClinVar variation 418888 (VCV000418888.17), dbSNP rs773351166, ClinGen allele CA8718948.
Genomic context (GRCh38, chr17:65,549,581, plus strand): 5'-CACTGCTGTCCGTCATGGACATGGAATCATCCGTCAGCGCATCACTGGATATCTCACTGT[C>T]GTTGGCGCTGGTGGCTGGTGCAAAGACATAGCCAGAACCTATGTGATAAGGATTAACAGG-3'
Protein context (NP_004646.3, residues 289-309): YVFAPATSAN[Asp299Asn]SEISSDALTD

ClinVar aggregate classification (germline): Uncertain significance. Review status: criteria provided, multiple submitters, no conflicts (2 of 4 stars). 4 submissions from 4 submitters: Uncertain significance (4). Last evaluated 2025-11-05.

Conditions:
Hereditary cancer-predisposing syndrome. Also called: Hereditary neoplastic syndrome; Tumor predisposition; Neoplastic Syndromes, Hereditary; Hereditary Cancer Syndrome. Identifiers: Orphanet 140162, MedGen C0027672, MeSH D009386, MONDO:0015356.
Oligodontia-cancer predisposition syndrome. Also called: TOOTH AGENESIS-COLORECTAL CANCER SYNDROME. Identifiers: Orphanet 300576, MedGen C1837750, MONDO:0012075, OMIM 608615. Disease mechanism: loss of function.

Allele frequency attached by ClinVar (database versions not stated): gnomAD 0.00001; gnomAD exomes 0.00001; TOPMed 0.00001; ExAC 0.00002.
gnomAD v4.1: 25 of 1,608,880 alleles (0.0016%); highest among the groups gnomAD compares: South Asian, 0.0033%; no homozygotes.

Submissions (4):

Labcorp Genetics (formerly Invitae), Labcorp
Classification: Uncertain significance for Oligodontia-cancer predisposition syndrome. Last evaluated: 2025-11-05. Review status: criteria provided, single submitter. Criteria: Invitae Variant Classification Sherloc (09022015). Collection method: clinical testing. Allele origin: germline.
Comment: This sequence change replaces aspartic acid, which is acidic and polar, with asparagine, which is neutral and polar, at codon 299 of the AXIN2 protein (p.Asp299Asn). This variant is present in population databases (rs773351166, gnomAD 0.007%). This variant has not been reported in the literature in individuals affected with AXIN2-related conditions. ClinVar contains an entry for this variant (Variation ID: 418888). Invitae Evidence Modeling of protein sequence and biophysical properties (such as structural, functional, and spatial information, amino acid conservation, physicochemical variation, residue mobility, and thermodynamic stability) indicates that this missense variant is expected to disrupt AXIN2 protein function with a positive predictive value of 80%. In summary, the available evidence is currently insufficient to determine the role of this variant in disease. Therefore, it has been classified as a Variant of Uncertain Significance.

Ambry Genetics
Classification: Uncertain significance for Hereditary cancer-predisposing syndrome. Last evaluated: 2025-03-04. Review status: criteria provided, single submitter. Criteria: Ambry Variant Classification Scheme 2023. Collection method: clinical testing. Allele origin: germline.
Comment: The p.D299N variant (also known as c.895G>A), located in coding exon 2 of the AXIN2 gene, results from a G to A substitution at nucleotide position 895. The aspartic acid at codon 299 is replaced by asparagine, an amino acid with highly similar properties. This amino acid position is highly conserved in available vertebrate species. In addition, the in silico prediction for this alteration is inconclusive. Since supporting evidence is limited at this time, the clinical significance of this alteration remains unclear.

GeneDx
Classification: Uncertain significance. Last evaluated: 2024-10-22. Review status: criteria provided, single submitter. Criteria: GeneDx Variant Classification Process June 2021. Collection method: clinical testing. Allele origin: germline. Affected: yes.
Comment: Not observed at significant frequency in large population cohorts (gnomAD); In silico analysis supports that this missense variant has a deleterious effect on protein structure/function; Has not been previously published as pathogenic or benign to our knowledge

Mayo Clinic Laboratories, Mayo Clinic
Classification: Uncertain significance. Last evaluated: 2023-09-05. Review status: criteria provided, single submitter. Criteria: ACMG Guidelines, 2015. Collection method: clinical testing. Allele origin: germline. Observed: 1 variant allele.
Comment: PM2_moderate